The following is an entry in ClinVar:

NM_152564.5(VPS13B):c.11191T>C (p.Ser3731Pro)

Gene: VPS13B (vacuolar protein sorting 13 homolog B; plus strand). Cytogenetic location: 8q22.2.
Variant type: single nucleotide variant.
Coding change: c.11191T>C on transcript NM_152564.5 (MANE Select); coding-DNA position 11191, T replaced by C.
Protein change: p.Ser3731Pro; replaces serine 3731 with proline.
Molecular consequence: missense variant.
Genome position (GRCh38, 1-based): chr8:99,861,922, T>C. VCF-style: chr8-99861922-T-C. GRCh37 (hg19) VCF-style: chr8-100874150-T-C.
Other names: c.11266T>C, p.Ser3756Pro (NM_017890.5); short protein forms S3731P, S3756P.
Identifiers: ClinVar variation 1417721 (VCV001417721.5), dbSNP rs1816857688, ClinGen allele CA371790718.

ClinVar aggregate classification (germline): Uncertain significance (1 of 4 stars; one submission).

Conditions:
Cohen syndrome (COH1). Also called: PEPPER SYNDROME; Cutis verticis gyrata, retinitis pigmentosa, and sensorineural deafness. Identifiers: Orphanet 193, MedGen C0265223, MONDO:0008999, OMIM 216550.

Submission:

Labcorp Genetics (formerly Invitae), Labcorp
Classification: Uncertain significance for Cohen syndrome. Last evaluated: 2022-07-19. Review status: criteria provided, single submitter. Criteria: Invitae Variant Classification Sherloc (09022015). Collection method: clinical testing. Allele origin: germline.
Comment: This sequence change replaces serine, which is neutral and polar, with proline, which is neutral and non-polar, at codon 3756 of the VPS13B protein (p.Ser3756Pro). This variant is not present in population databases (gnomAD no frequency). This variant has not been reported in the literature in individuals affected with VPS13B-related conditions. ClinVar contains an entry for this variant (Variation ID: 1417721). Algorithms developed to predict the effect of missense changes on protein structure and function are either unavailable or do not agree on the potential impact of this missense change (SIFT: "Not Available"; PolyPhen-2: "Possibly Damaging"; Align-GVGD: "Not Available"). In summary, the available evidence is currently insufficient to determine the role of this variant in disease. Therefore, it has been classified as a Variant of Uncertain Significance.